The following is an entry in ClinVar:

ClinVar aggregate classification (germline): Pathogenic (1 of 4 stars; one submission).

Conditions:
Charcot-Marie-Tooth Neuropathy X. Identifiers: MedGen CN118851.

Submission:

Labcorp Genetics (formerly Invitae), Labcorp
Classification: Pathogenic for Charcot-Marie-Tooth Neuropathy X. Last evaluated: 2019-08-31. Review status: criteria provided, single submitter. Criteria: Invitae Variant Classification Sherloc (09022015). Collection method: clinical testing. Allele origin: germline.
Comment: This sequence change results in a premature translational stop signal in the GJB1 gene (p.Val148Glyfs*49). While this is not anticipated to result in nonsense mediated decay, it is expected to disrupt the last 136 amino acids of the GJB1 protein. This variant is not present in population databases (ExAC no frequency). For these reasons, this variant has been classified as Pathogenic. This variant disrupts the C-terminus of the GJB1 protein. Other variant(s) that disrupt this region (p.Arg220*) have been determined to be pathogenic (PMID: 7477983, 8162049, 9364054, 21291455, 9364054, 9592087). This suggests that variants that disrupt this region of the protein are likely to be causative of disease. This variant has not been reported in the literature in individuals with GJB1-related conditions.

Literature cited by the submitters: PubMed 7477983; PubMed 8162049; PubMed 9364054; PubMed 21291455; PubMed 9592087.

NM_000166.6(GJB1):c.443_446delinsGAACAC (p.Val148fs)

Gene: GJB1 (gap junction protein beta 1; plus strand). Cytogenetic location: Xq13.1.
Variant type: Indel.
Coding change: c.443_446delinsGAACAC on transcript NM_000166.6 (MANE Select); coding-DNA positions 443 to 446, TCTT replaced by GAACAC.
Protein change: p.Val148fs; shifts the reading frame from valine 148.
Molecular consequence: frameshift variant.
Genome position (GRCh38, 1-based): chrX:71,224,150-71,224,153, TCTT replaced by GAACAC. VCF-style: chrX-71224150-TCTT-GAACAC. GRCh37 (hg19) VCF-style: chrX-70444000-TCTT-GAACAC.
Other names: c.443_446delinsGAACAC, p.Val148fs (NM_001097642.3); short protein forms V148fs.
Identifiers: ClinVar variation 972597 (VCV000972597.6), dbSNP rs2092544789, ClinGen allele CA1139667645.